The following is an entry in ClinVar:

NM_005137.3(DGCR2):c.1223C>T (p.Thr408Met)

Gene: DGCR2 (DiGeorge syndrome critical region gene 2; minus strand). Cytogenetic location: 22q11.21.
Variant type: single nucleotide variant.
Coding change: c.1223C>T on transcript NM_005137.3 (MANE Select); coding-DNA position 1223, C replaced by T.
Protein change: p.Thr408Met; replaces threonine 408 with methionine.
Molecular consequence: missense variant. On other transcripts: non-coding transcript variant (1).
Genome position (GRCh38, 1-based): chr22:19,041,231, G>A on the plus strand (C>T on the coding strand, the complement: DGCR2 is on the minus strand). VCF-style: chr22-19041231-G-A. GRCh37 (hg19) VCF-style: chr22-19028744-G-A.
Other names: c.1100C>T, p.Thr367Met (NM_001173533.2); c.1091C>T, p.Thr364Met (NM_001173534.2); c.1214C>T, p.Thr405Met (NM_001184781.2); short protein forms T364M, T367M, T405M, T408M.
Identifiers: ClinVar variation 2652853 (VCV002652853.24), dbSNP rs763137065, ClinGen allele CA10095663.

ClinVar aggregate classification (germline): Uncertain significance (1 of 4 stars; one submission).

Allele frequency attached by ClinVar (database versions not stated): TOPMed below 0.00001; ExAC 0.00002; gnomAD exomes 0.00003.
gnomAD v4.1: 37 of 1,614,100 alleles (0.0023%); highest among the groups gnomAD compares: Admixed American, 0.0033%; no homozygotes.

Submission:

CeGaT Center for Human Genetics Tuebingen
Classification: Uncertain significance. Last evaluated: 2023-10-01. Review status: criteria provided, single submitter. Criteria: CeGaT Center For Human Genetics Tuebingen Variant Classification Criteria Version 2. Collection method: clinical testing. Allele origin: germline. Affected: yes. Observed: 1 variant allele.
Comment: DGCR2: PM2, PP3